The following is an entry in ClinVar:

NM_002519.3(NPAT):c.302G>A (p.Ser101Asn)

Gene: NPAT (nuclear protein, coactivator of histone transcription; minus strand). Cytogenetic location: 11q22.3.
Variant type: single nucleotide variant.
Coding change: c.302G>A on transcript NM_002519.3 (MANE Select); coding-DNA position 302, G replaced by A.
Protein change: p.Ser101Asn; replaces serine 101 with asparagine.
Molecular consequence: missense variant.
Genome position (GRCh38, 1-based): chr11:108,190,489, C>T on the plus strand (G>A on the coding strand, the complement: NPAT is on the minus strand). VCF-style: chr11-108190489-C-T. GRCh37 (hg19) VCF-style: chr11-108061216-C-T.
Other names: c.302G>A, p.Ser101Asn (NM_001321307.1); short protein forms S101N.
Identifiers: ClinVar variation 3407224 (VCV003407224.1).
Genomic context (GRCh38, chr11:108,190,489, plus strand): 5'-TTGTGAACATTGTTTAAAGTTGGATACCAACCTCTCTGACTGCCAGCAAACCTTGGGGAA[C>T]TTTGCATGCTCCTAACAAAGAAAACAAAGTAGTTATCCATCAAAAAATGTTTGTTGCTGA-3'
Protein context (NP_002510.2, residues 91-111): HTLSQIRSMQ[Ser101Asn]SPRFAGSQRA

ClinVar aggregate classification (germline): Uncertain significance (1 of 4 stars; one submission).

gnomAD v4.1: 1 of 1,613,824 alleles (0.000062%); highest among the groups gnomAD compares: Non-Finnish European, 0.000085%; no homozygotes.

Submission:

Ambry Genetics
Classification: Uncertain significance. Last evaluated: 2024-09-21. Review status: criteria provided, single submitter. Criteria: Ambry Variant Classification Scheme 2023. Collection method: clinical testing. Allele origin: germline.
Comment: The p.S101N variant (also known as c.302G>A), located in coding exon 5 of the NPAT gene, results from a G to A substitution at nucleotide position 302. The serine at codon 101 is replaced by asparagine, an amino acid with highly similar properties. This amino acid position is conserved. In addition, this alteration is predicted to be tolerated by in silico analysis. Based on the available evidence, the clinical significance of this variant remains unclear.